The following is an entry in ClinVar:

ClinVar aggregate classification (germline): Pathogenic. Review status: criteria provided, multiple submitters, no conflicts (2 of 4 stars). 2 submissions from 2 submitters: Pathogenic (2). Last evaluated 2022-06-29.

Conditions:
Mild intellectual disability. Identifiers: MedGen C0026106, HP:0001256.
Autism (AUTS). Also called: Autistic disorder of childhood onset; Autistic disorder. Identifiers: MedGen C0004352, MeSH D001321, MONDO:0005260, OMIM 209850, HP:0000717.

Submissions (2):

GeneDx
Classification: Pathogenic. Last evaluated: 2022-06-29. Review status: criteria provided, single submitter. Criteria: GeneDx Variant Classification Process June 2021. Collection method: clinical testing. Allele origin: germline. Affected: yes.
Comment: Not observed at significant frequency in large population cohorts (gnomAD); Frameshift variant predicted to result in protein truncation or nonsense mediated decay in a gene for which loss of function is a known mechanism of disease; This variant is associated with the following publications: (PMID: 30739909)

Groupe Hospitalier Pitie Salpetriere, Uf Genomique Du Developpement, Assistance Publique Hopitaux de Paris Sorbonne Université
Classification: Pathogenic for Mild intellectual disability; Autism. Last evaluated: 2018-11-06. Review status: criteria provided, single submitter. Criteria: ACMG Guidelines, 2015. Collection method: clinical testing. Allele origin: de novo. Inheritance: Autosomal dominant inheritance. Affected: yes.
Comment: de novo + truncating (PS + PVS according to the ACMG classification)

NM_001378418.1(TCF20):c.1810_1811del (p.Val604fs)

Gene: TCF20 (transcription factor 20; minus strand). Cytogenetic location: 22q13.2.
Variant type: Deletion.
Coding change: c.1810_1811del on transcript NM_001378418.1 (MANE Select); coding-DNA positions 1810 to 1811, 2 bases deleted (GT; older notation c.1810_1811delGT).
Protein change: p.Val604fs; shifts the reading frame from valine 604.
Molecular consequence: frameshift variant.
Genome position (GRCh38, 1-based): chr22:42,213,495-42,213,496, AC deleted on the plus strand (GT on the coding strand, the reverse complement: TCF20 is on the minus strand); deleting any 2 consecutive bases within chr22:42,213,495-42,213,497 gives the same sequence; the c. name uses the placement nearest the transcript's 3' end. VCF-style (leftmost placement, unchanged base first): chr22-42213494-AAC-A. GRCh37 (hg19) VCF-style: chr22-42609500-AAC-A.
Other names: c.1810_1811del, p.Val604fs (NM_005650.4, NM_181492.3); c.1810_1811delGT (NM_005650.3); short protein forms V604fs.
Identifiers: ClinVar variation 590779 (VCV000590779.5), dbSNP rs1569151204, ClinGen allele CA913190476.